The following is an entry in ClinVar:

ClinVar aggregate classification (germline): Pathogenic (1 of 4 stars; one submission).

Conditions:
Tuberous sclerosis 2 (TSC2). Identifiers: Orphanet 805, MedGen C1860707, MONDO:0013199, OMIM 613254.

Submission:

Labcorp Genetics (formerly Invitae), Labcorp
Classification: Pathogenic for Tuberous sclerosis 2. Last evaluated: 2019-06-26. Review status: criteria provided, single submitter. Criteria: Invitae Variant Classification Sherloc (09022015). Collection method: clinical testing. Allele origin: germline.
Comment: This sequence change creates a premature translational stop signal (p.Ser1379Alafs*34) in the TSC2 gene. It is expected to result in an absent or disrupted protein product. For these reasons, this variant has been classified as Pathogenic. Loss-of-function variants in TSC2 are known to be pathogenic (PMID: 10205261, 17304050). This variant has not been reported in the literature in individuals with TSC2-related conditions. This variant is not present in population databases (ExAC no frequency).

Literature cited by the submitters: PubMed 10205261; PubMed 17304050.

NM_000548.5(TSC2):c.4135_4136del (p.Ser1379fs)

Gene: TSC2 (TSC complex subunit 2; plus strand). Cytogenetic location: 16p13.3.
Variant type: Deletion.
Coding change: c.4135_4136del on transcript NM_000548.5 (MANE Select); coding-DNA positions 4135 to 4136, 2 bases deleted (TC; older notation c.4135_4136delTC).
Protein change: p.Ser1379fs; shifts the reading frame from serine 1379.
Molecular consequence: frameshift variant.
Genome position (GRCh38, 1-based): chr16:2,084,357-2,084,358, TC deleted; deleting any 2 consecutive bases within chr16:2,084,356-2,084,358 gives the same sequence; the c. name uses the placement nearest the transcript's 3' end. VCF-style (leftmost placement, unchanged base first): chr16-2084355-CCT-C. GRCh37 (hg19) VCF-style: chr16-2134356-CCT-C.
Other names: c.3934_3935del, p.Ser1312fs (NM_001077183.3); c.4066_4067del, p.Ser1356fs (NM_001114382.3); c.3826_3827del, p.Ser1276fs (NM_001318827.2); c.3790_3791del, p.Ser1264fs (NM_001318829.2); c.3403_3404del, p.Ser1135fs (NM_001318831.2); c.3967_3968del, p.Ser1323fs (NM_001318832.2); c.3937_3938del, p.Ser1313fs (NM_001363528.2); c.4003_4004del, p.Ser1335fs (NM_001370404.1); and 1 more; short protein forms S1135fs, S1264fs, S1276fs, S1356fs, S1312fs, S1323fs, S1313fs, S1335fs.
Identifiers: ClinVar variation 942713 (VCV000942713.7), dbSNP rs2090496214, ClinGen allele CA1139664280.